The following is an entry in ClinVar:

ClinVar aggregate classification (germline): Likely benign. Review status: criteria provided, multiple submitters, no conflicts (2 of 4 stars). 2 submissions from 2 submitters: Likely benign (2). Last evaluated 2024-09-26.

Conditions:
Familial melanoma. Also called: Hereditary melanoma; Hereditary cutaneous melanoma. Identifiers: Orphanet 618, MedGen C1512419, MONDO:0018961.
Melanoma, cutaneous malignant, susceptibility to, 3. Also called: Cutaneous malignant melanoma 3. Identifiers: Orphanet 618, MedGen C1836892, MONDO:0012183, OMIM 609048.

Submissions (2):

Myriad Genetics, Inc.
Classification: Likely benign for Melanoma, cutaneous malignant, susceptibility to, 3. Last evaluated: 2024-09-26. Review status: criteria provided, single submitter. Criteria: Myriad Autosomal Dominant, Autosomal Recessive and X-Linked Classification Criteria (2023). Collection method: clinical testing. Allele origin: unknown.
Comment: This variant is considered likely benign. This variant is intronic and is not expected to impact mRNA splicing.

Labcorp Genetics (formerly Invitae), Labcorp
Classification: Likely benign for Familial melanoma. Last evaluated: 2019-09-26. Review status: criteria provided, single submitter. Criteria: Invitae Variant Classification Sherloc (09022015). Collection method: clinical testing. Allele origin: germline.

NM_000075.4(CDK4):c.523-7C>T

Gene: CDK4 (cyclin dependent kinase 4; minus strand). Cytogenetic location: 12q14.1.
Variant type: single nucleotide variant.
Coding change: c.523-7C>T on transcript NM_000075.4 (MANE Select); 7 bases into the intron before coding-DNA position 523, C replaced by T.
Molecular consequence: intron variant.
Genome position (GRCh38, 1-based): chr12:57,750,772, G>A on the plus strand (C>T on the coding strand, the complement: CDK4 is on the minus strand). VCF-style: chr12-57750772-G-A. GRCh37 (hg19) VCF-style: chr12-58144555-G-A.
Identifiers: ClinVar variation 1084916 (VCV001084916.10), dbSNP rs2140385923, ClinGen allele CA2499221774.
Genomic context (GRCh38, chr12:57,750,772, plus strand): 5'-TGCATATGTGGACTGCAGAAGAACTTCGGGAGCTCGGTACCAGAGTGTAACAACCTAAAG[G>A]GAATAGGAAGAATGGATGGGGACCCCATGGGTTACCATGAAACACAACTTGCTTGACTGA-3'